The following is an entry in ClinVar:

NM_001370259.2(MEN1):c.1128G>A (p.Leu376=)

Gene: MEN1 (menin 1; minus strand). Cytogenetic location: 11q13.1.
Variant type: single nucleotide variant.
Coding change: c.1128G>A on transcript NM_001370259.2 (MANE Select); coding-DNA position 1128, G replaced by A.
Protein change: p.Leu376=; no amino-acid change (leucine 376 retained).
Molecular consequence: synonymous variant.
Genome position (GRCh38, 1-based): chr11:64,805,692, C>T on the plus strand (G>A on the coding strand, the complement: MEN1 is on the minus strand). VCF-style: chr11-64805692-C-T. GRCh37 (hg19) VCF-style: chr11-64573164-C-T.
Other names: c.1143G>A, p.Leu381= (NM_000244.4, NM_130800.3, NM_130801.3 and 3 more transcripts); c.1254G>A, p.Leu418= (NM_001370251.2); c.1128G>A, p.Leu376= (NM_001370260.2, NM_001370261.2, NM_130799.3); c.1023G>A, p.Leu341= (NM_001370262.2, NM_001370263.2).
Identifiers: ClinVar variation 735618 (VCV000735618.17), dbSNP rs754129242, ClinGen allele CA059985.
Genomic context (GRCh38, chr11:64,805,692, plus strand): 5'-CACCTGGCTTTGCTCCCCCGGCCGCTCCTCGCCCGCCTCCAGCAAGCTGGCTGCCTCCTT[C>T]AGCAGGTTGGGGATGACATCATTGGCTACTTCAAAGAACTCCTTGTAGATCTCCTCGTCT-3'
Protein context (NP_001357188.2, residues 366-386): EVANDVIPNL[Leu376=]KEAASLLEAG

ClinVar aggregate classification (germline): Benign/Likely benign. Review status: criteria provided, multiple submitters, no conflicts (2 of 4 stars). 4 submissions from 4 submitters: Benign (1); Likely benign (3). Last evaluated 2025-12-10.

Conditions:
Hereditary cancer-predisposing syndrome. Also called: Hereditary neoplastic syndrome; Neoplastic Syndromes, Hereditary; Tumor predisposition; Hereditary Cancer Syndrome. Identifiers: Orphanet 140162, MedGen C0027672, MeSH D009386, MONDO:0015356.
Multiple endocrine neoplasia, type 1 (MEN1). Also called: MEA I; Endocrine adenomatosis multiple; MEN 1; MEN I; WERMER SYNDROME. Identifiers: Orphanet 652, MedGen C0025267, MeSH D018761, MONDO:0007540, OMIM 131100.

Allele frequency attached by ClinVar (database versions not stated): TOPMed below 0.00001; ExAC 0.00001; gnomAD 0.00001; gnomAD exomes 0.00001 and 0.00002.
gnomAD v4.1: 30 of 1,614,064 alleles (0.0019%); highest among the groups gnomAD compares: Non-Finnish European, 0.0025%; no homozygotes.

Submissions (4):

Labcorp Genetics (formerly Invitae), Labcorp
Classification: Likely benign for Multiple endocrine neoplasia, type 1. Last evaluated: 2025-12-10. Review status: criteria provided, single submitter. Criteria: Invitae Variant Classification Sherloc (09022015). Collection method: clinical testing. Allele origin: germline.

Color Diagnostics, LLC DBA Color Health
Classification: Likely benign for Multiple endocrine neoplasia, type 1. Last evaluated: 2025-10-05. Review status: criteria provided, single submitter. Criteria: ACMG Guidelines, 2015. Collection method: clinical testing. Allele origin: germline.

Myriad Genetics, Inc.
Classification: Benign for Multiple endocrine neoplasia, type 1. Last evaluated: 2024-11-04. Review status: criteria provided, single submitter. Criteria: Myriad Autosomal Dominant, Autosomal Recessive and X-Linked Classification Criteria (2023). Collection method: clinical testing. Allele origin: unknown.
Comment: This variant is considered benign. This variant is a silent/synonymous amino acid change and it is not expected to impact splicing.

Ambry Genetics
Classification: Likely benign for Hereditary cancer-predisposing syndrome. Last evaluated: 2019-02-25. Review status: criteria provided, single submitter. Criteria: Ambry Variant Classification Scheme 2023. Collection method: clinical testing. Allele origin: germline.